The following is an entry in ClinVar:

ClinVar aggregate classification (germline): Uncertain significance (1 of 4 stars; one submission).

gnomAD v4.1: 2 of 1,613,992 alleles (0.00012%); highest among the groups gnomAD compares: Non-Finnish European, 0.00017%; no homozygotes.

Submission:

Labcorp Genetics (formerly Invitae), Labcorp
Classification: Uncertain significance. Last evaluated: 2022-06-03. Review status: criteria provided, single submitter. Criteria: Invitae Variant Classification Sherloc (09022015). Collection method: clinical testing. Allele origin: germline.
Comment: This sequence change affects codon 466 of the TBCE mRNA. It is a 'silent' change, meaning that it does not change the encoded amino acid sequence of the TBCE protein. It affects a nucleotide within the consensus splice site. This variant is present in population databases (rs762799965, gnomAD 0.002%). This variant has not been reported in the literature in individuals affected with TBCE-related conditions. Algorithms developed to predict the effect of sequence changes on RNA splicing suggest that this variant is not likely to affect RNA splicing. In summary, the available evidence is currently insufficient to determine the role of this variant in disease. Therefore, it has been classified as a Variant of Uncertain Significance.

NM_003193.5(TBCE):c.1398G>T (p.Pro466=)

Genes: B3GALNT2 (beta-1,3-N-acetylgalactosaminyltransferase 2; minus strand), TBCE (tubulin folding cofactor E; plus strand), LOC126806060 (MED14-independent group 3 enhancer GRCh37_chr1:235605546-235606745; plus strand). Cytogenetic location: 1q42.3.
Variant type: single nucleotide variant.
Coding change: c.1398G>T on transcript NM_003193.5 (MANE Select); coding-DNA position 1398, G replaced by T.
Protein change: p.Pro466=; no amino-acid change (proline 466 retained).
Molecular consequence: synonymous variant.
Genome position (GRCh38, 1-based): chr1:235,442,910, G>T. VCF-style: chr1-235442910-G-T. GRCh37 (hg19) VCF-style: chr1-235606225-G-T.
Other names: c.1398G>T, p.Pro466= (NM_001079515.3); c.1551G>T, p.Pro517= (NM_001287801.2); c.1059G>T, p.Pro353= (NM_001287802.2).
Identifiers: ClinVar variation 1934728 (VCV001934728.2), dbSNP rs762799965, ClinGen allele CA1464446.
Genomic context (GRCh38, chr1:235,442,910, plus strand): 5'-AGCACTGAAGATAAAATACCCTCATCAACTTGATCAGAAAGTCCTGGAGAAACAACTGCC[G>T]GGTAAGAAGAACCAGCCTGTCTTTTCCTTAAACTCTGAATCATCGGCCTAGGTATGAGTC-3'
Protein context (NP_003184.1, residues 456-476): LDQKVLEKQL[Pro466=]GSMTIQKVKG